The following is an entry in ClinVar:

ClinVar aggregate classification (germline): Uncertain significance (1 of 4 stars; one submission).

Submission:

Labcorp Genetics (formerly Invitae), Labcorp
Classification: Uncertain significance. Last evaluated: 2022-03-14. Review status: criteria provided, single submitter. Criteria: Invitae Variant Classification Sherloc (09022015). Collection method: clinical testing. Allele origin: germline.
Comment: A copy number gain of the genomic region encompassing the full coding sequence of the GRHPR gene has been identified. The boundaries of this event are unknown as they extend beyond the assayed region for this gene and therefore may encompass additional genes. As the precise location of this event is unknown, it may be in tandem or it may be located elsewhere in the genome. This variant has not been reported in the literature in individuals affected with GRHPR-related conditions. In summary, the available evidence is currently insufficient to determine the role of this variant in disease. Therefore, it has been classified as a Variant of Uncertain Significance.

NC_000009.11:g.(?_37422744)_(37436779_?)dup

Gene: GRHPR (glyoxylate and hydroxypyruvate reductase; plus strand). Cytogenetic location: 9p13.2.
Variant type: Duplication.
Identifiers: ClinVar variation 2425776 (VCV002425776.3).